The following is an entry in ClinVar:

ClinVar aggregate classification (germline): Likely benign (1 of 4 stars; one submission).

Submission:

CeGaT Center for Human Genetics Tuebingen
Classification: Likely benign. Last evaluated: 2023-04-01. Review status: criteria provided, single submitter. Criteria: CeGaT Center For Human Genetics Tuebingen Variant Classification Criteria Version 2. Collection method: clinical testing. Allele origin: germline. Affected: yes. Observed: 1 variant allele.
Comment: HYDIN: PM2:Supporting, BP4, BP7

NM_001270974.2(HYDIN):c.4830A>G (p.Arg1610=)

Gene: HYDIN (HYDIN axonemal central pair apparatus protein; minus strand). Cytogenetic location: 16q22.2.
Variant type: single nucleotide variant.
Coding change: c.4830A>G on transcript NM_001270974.2 (MANE Select); coding-DNA position 4830, A replaced by G.
Protein change: p.Arg1610=; no amino-acid change (arginine 1610 retained).
Molecular consequence: synonymous variant.
Genome position (GRCh38, 1-based): chr16:70,974,613, T>C on the plus strand (A>G on the coding strand, the complement: HYDIN is on the minus strand). VCF-style: chr16-70974613-T-C. GRCh37 (hg19) VCF-style: chr16-71008516-T-C.
Identifiers: ClinVar variation 2646769 (VCV002646769.24), dbSNP rs2507160176, ClinGen allele CA496406233.
Genomic context (GRCh38, chr16:70,974,613, plus strand): 5'-CTTGTCTGCATGGAATGACACTGGAAAGTGACTGGTGTTGATGATCTTGATGATGTGGGT[T>C]CGGACTTCGCCAAGGATGATGTAGCCAAAGTCCAGGATGTACTCTGGTAGCTGGATTCTG-3'
Protein context (NP_001257903.1, residues 1600-1620): DFGYIILGEV[Arg1610=]THIIKIINTS